The following is an entry in ClinVar:

ClinVar aggregate classification (germline): Uncertain significance. Review status: criteria provided, multiple submitters, no conflicts (2 of 4 stars). 3 submissions from 3 submitters: Uncertain significance (3). Last evaluated 2025-01-27.

Conditions:
Hypertrophic cardiomyopathy 14. Identifiers: MedGen C2750467, MONDO:0013197, OMIM 613251.
Cardiovascular phenotype. Identifiers: MedGen CN230736.

Allele frequency attached by ClinVar (database versions not stated): TOPMed 0.00002; ExAC 0.00003; gnomAD 0.00001; gnomAD exomes 0.00001 and 0.00003.
gnomAD v4.1: 14 of 1,612,776 alleles (0.00087%); highest among the groups gnomAD compares: Admixed American, 0.01%; no homozygotes.

Submissions (3):

Labcorp Genetics (formerly Invitae), Labcorp
Classification: Uncertain significance for Hypertrophic cardiomyopathy 14. Last evaluated: 2025-01-27. Review status: criteria provided, single submitter. Criteria: Invitae Variant Classification Sherloc (09022015). Collection method: clinical testing. Allele origin: germline.
Comment: This sequence change replaces glutamic acid, which is acidic and polar, with alanine, which is neutral and non-polar, at codon 380 of the MYH6 protein (p.Glu380Ala). This variant is present in population databases (rs747070258, gnomAD 0.01%). This variant has not been reported in the literature in individuals affected with MYH6-related conditions. ClinVar contains an entry for this variant (Variation ID: 519126). An algorithm developed to predict the effect of missense changes on protein structure and function (PolyPhen-2) suggests that this variant is likely to be tolerated. In summary, the available evidence is currently insufficient to determine the role of this variant in disease. Therefore, it has been classified as a Variant of Uncertain Significance.

Ambry Genetics
Classification: Uncertain significance for Cardiovascular phenotype. Last evaluated: 2023-05-21. Review status: criteria provided, single submitter. Criteria: Ambry Variant Classification Scheme 2023. Collection method: clinical testing. Allele origin: germline.
Comment: The p.E380A variant (also known as c.1139A>C), located in coding exon 10 of the MYH6 gene, results from an A to C substitution at nucleotide position 1139. The glutamic acid at codon 380 is replaced by alanine, an amino acid with dissimilar properties. Based on data from ExAC, the C allele has an overall frequency of less than 0.01% (4/106142). This amino acid position is highly conserved in available vertebrate species. In addition, the in silico prediction for this alteration is inconclusive. Since supporting evidence is limited at this time, the clinical significance of this alteration remains unclear.

Stanford Center for Inherited Cardiovascular Disease, Stanford University
Classification: Uncertain significance. Last evaluated: 2016-12-07. Review status: criteria provided, single submitter. Criteria: ACMG Guidelines, 2015. Collection method: provider interpretation. Allele origin: germline.

NM_002471.4(MYH6):c.1139A>C (p.Glu380Ala)

Gene: MYH6 (myosin heavy chain 6; minus strand). Cytogenetic location: 14q11.2.
Variant type: single nucleotide variant.
Coding change: c.1139A>C on transcript NM_002471.4 (MANE Select); coding-DNA position 1139, A replaced by C.
Protein change: p.Glu380Ala; replaces glutamic acid 380 with alanine.
Molecular consequence: missense variant.
Genome position (GRCh38, 1-based): chr14:23,402,466, T>G on the plus strand (A>C on the coding strand, the complement: MYH6 is on the minus strand). VCF-style: chr14-23402466-T-G. GRCh37 (hg19) VCF-style: chr14-23871675-T-G.
Other names: short protein forms E380A.
Identifiers: ClinVar variation 519126 (VCV000519126.17), dbSNP rs747070258, ClinGen allele CA7115895.
Genomic context (GRCh38, chr14:23,402,466, plus strand): 5'-GCAGAGAGCCTGGTCAGCACCTCAGGCCTTCCCAGGGCTGCCTGCCTGCCCCTCCCACCT[T>G]CGGTGCCGTCTGGCTCCGCCTGCTCCTCCCGCTGCTTCTGCTTGAACTTCATGTTCCCGT-3'
Protein context (NP_002462.2, residues 370-390): REEQAEPDGT[Glu380Ala]DADKSAYLMG